The following is an entry in ClinVar:

NM_013275.6(ANKRD11):c.783_784delinsAT (p.Gln262Ter)

Gene: ANKRD11 (ankyrin repeat domain 11; minus strand). Cytogenetic location: 16q24.3.
Variant type: Indel.
Coding change: c.783_784delinsAT on transcript NM_013275.6 (MANE Select); coding-DNA positions 783 to 784, GC replaced by AT.
Protein change: p.Gln262Ter; replaces glutamine 262 with a stop codon.
Molecular consequence: nonsense.
Genome position (GRCh38, 1-based): chr16:89,286,147-89,286,148, GC replaced by AT on the plus strand (GC replaced by AT on the coding strand, the reverse complement: ANKRD11 is on the minus strand). VCF-style: chr16-89286147-GC-AT. GRCh37 (hg19) VCF-style: chr16-89352555-GC-AT.
Other names: c.783_784delinsAT, p.Gln262Ter (NM_001256182.2, NM_001256183.2); short protein forms Q262*.
Identifiers: ClinVar variation 4293185 (VCV004293185.1).

ClinVar aggregate classification (germline): Likely pathogenic (1 of 4 stars; one submission).

Conditions:
KBG syndrome (KBGS). Also called: ANKRD11-Related KBG Syndrome. Identifiers: Orphanet 2332, MedGen C0220687, MONDO:0007846, OMIM 148050.

Submission:

3billion
Classification: Likely pathogenic for KBG syndrome. Last evaluated: 2025-01-10. Review status: criteria provided, single submitter. Criteria: ACMG Guidelines, 2015. Collection method: clinical testing. Allele origin: germline. Affected: yes.
Comment: The variant is not observed in the gnomAD v4.1.0 dataset. Predicted Consequence/Location: Stop-gained (nonsense): predicted to result in a loss or disruption of normal protein function through nonsense-mediated decay (NMD) or protein truncation. Multiple pathogenic variants are reported downstream of the variant. Therefore, this variant is classified as Likely pathogenic according to the recommendation of ACMG/AMP guideline.